The following is an entry in ClinVar:

ClinVar aggregate classification (germline): Likely pathogenic (1 of 4 stars; one submission).

Conditions:
Glutaric aciduria, type 1. Also called: Glutaryl-CoA dehydrogenase deficiency; Glutaric Acidemia Type 1; Glutaricaciduria, type I; GA I; Glutaric acidemia type I; Glutaricacidemia Type 1. Identifiers: Orphanet 25, MedGen C0268595, MONDO:0009281, OMIM 231670.

Submission:

Labcorp Genetics (formerly Invitae), Labcorp
Classification: Likely pathogenic for Glutaric aciduria, type 1. Last evaluated: 2022-05-16. Review status: criteria provided, single submitter. Criteria: Invitae Variant Classification Sherloc (09022015). Collection method: clinical testing. Allele origin: germline.
Comment: In summary, the currently available evidence indicates that the variant is pathogenic, but additional data are needed to prove that conclusively. Therefore, this variant has been classified as Likely Pathogenic. This variant disrupts the p.Asp220 amino acid residue in GCDH. Other variant(s) that disrupt this residue have been determined to be pathogenic (PMID: 20514322, 23395213; Invitae). This suggests that this residue is clinically significant, and that variants that disrupt this residue are likely to be disease-causing. Algorithms developed to predict the effect of sequence changes on RNA splicing suggest that this variant may create or strengthen a splice site. Advanced modeling of protein sequence and biophysical properties (such as structural, functional, and spatial information, amino acid conservation, physicochemical variation, residue mobility, and thermodynamic stability) performed at Invitae indicates that this missense variant is expected to disrupt GCDH protein function. This variant has not been reported in the literature in individuals affected with GCDH-related conditions. This variant is not present in population databases (gnomAD no frequency). This sequence change replaces aspartic acid, which is acidic and polar, with valine, which is neutral and non-polar, at codon 220 of the GCDH protein (p.Asp220Val).

Literature cited by the submitters: PubMed 20514322; PubMed 23395213.

NM_000159.4(GCDH):c.659A>T (p.Asp220Val)

Gene: GCDH (glutaryl-CoA dehydrogenase; plus strand). Cytogenetic location: 19p13.13.
Variant type: single nucleotide variant.
Coding change: c.659A>T on transcript NM_000159.4 (MANE Select); coding-DNA position 659, A replaced by T.
Protein change: p.Asp220Val; replaces aspartic acid 220 with valine.
Molecular consequence: missense variant. On other transcripts: non-coding transcript variant (1).
Genome position (GRCh38, 1-based): chr19:12,896,228, A>T. VCF-style: chr19-12896228-A-T. GRCh37 (hg19) VCF-style: chr19-13007042-A-T.
Other names: c.659A>T, p.Asp220Val (NM_013976.5); short protein forms D220V.
Identifiers: ClinVar variation 1995364 (VCV001995364.4), dbSNP rs2512573372, ClinGen allele CA404318523.